The following is an entry in ClinVar:

NM_005228.5(EGFR):c.2174C>T (p.Thr725Met)

Gene: EGFR (epidermal growth factor receptor; plus strand). Cytogenetic location: 7p11.2.
Variant type: single nucleotide variant.
Coding change: c.2174C>T on transcript NM_005228.5 (MANE Select); coding-DNA position 2174, C replaced by T.
Protein change: p.Thr725Met; replaces threonine 725 with methionine.
Molecular consequence: missense variant.
Genome position (GRCh38, 1-based): chr7:55,174,033, C>T. VCF-style: chr7-55174033-C-T. GRCh37 (hg19) VCF-style: chr7-55241726-C-T.
Other names: c.2039C>T, p.Thr680Met (NM_001346897.2, NM_001346899.2); c.2174C>T, p.Thr725Met (NM_001346898.2); c.2015C>T, p.Thr672Met (NM_001346900.2); c.1373C>T, p.Thr458Met (NM_001346941.2); c.2174C>T (NM_005228.3); short protein forms T458M, T672M, T680M, T725M.
Identifiers: ClinVar variation 1060740 (VCV001060740.9), dbSNP rs767505234, ClinGen allele CA4265987.

ClinVar aggregate classification (germline): Uncertain significance. Review status: criteria provided, multiple submitters, no conflicts (2 of 4 stars). 3 submissions from 3 submitters: Uncertain significance (3). Last evaluated 2026-08-01.

Conditions:
Hereditary cancer-predisposing syndrome. Also called: Neoplastic Syndromes, Hereditary; Hereditary neoplastic syndrome; Tumor predisposition; Hereditary Cancer Syndrome. Identifiers: Orphanet 140162, MedGen C0027672, MeSH D009386, MONDO:0015356.
EGFR-related lung cancer (EGFR). Identifiers: MedGen CN130014.

Allele frequency attached by ClinVar (database versions not stated): ExAC 0.00001; gnomAD 0.00001; gnomAD exomes 0.00001; TOPMed 0.00001.
gnomAD v4.1: 12 of 1,614,064 alleles (0.00074%); highest among the groups gnomAD compares: Admixed American, 0.0017%; no homozygotes.

Submissions (3):

CeGaT Center for Human Genetics Tuebingen
Classification: Uncertain significance. Last evaluated: 2026-08-01. Review status: criteria provided, single submitter. Criteria: CeGaT Center For Human Genetics Tuebingen Variant Classification Criteria Version 2. Collection method: clinical testing. Allele origin: germline. Affected: yes. Observed: 1 variant allele.
Comment: EGFR: PM2:Supporting, PP3, PS3:Supporting

Labcorp Genetics (formerly Invitae), Labcorp
Classification: Uncertain significance for EGFR-related lung cancer. Last evaluated: 2026-01-13. Review status: criteria provided, single submitter. Criteria: Invitae Variant Classification Sherloc (09022015). Collection method: clinical testing. Allele origin: germline.
Comment: This sequence change replaces threonine, which is neutral and polar, with methionine, which is neutral and non-polar, at codon 725 of the EGFR protein (p.Thr725Met). The frequency data for this variant in the population databases is considered unreliable, as metrics indicate poor data quality at this position in the gnomAD database. This variant has not been reported in the literature in individuals affected with EGFR-related conditions. ClinVar contains an entry for this variant (Variation ID: 1060740). Invitae Evidence Modeling of protein sequence and biophysical properties (such as structural, functional, and spatial information, amino acid conservation, physicochemical variation, residue mobility, and thermodynamic stability) has been performed for this missense variant. However, the output from this modeling did not meet the statistical confidence thresholds required to predict the impact of this variant on EGFR protein function. Experimental studies have shown that this missense change affects EGFR function (PMID: 24743239). In summary, the available evidence is currently insufficient to determine the role of this variant in disease. Therefore, it has been classified as a Variant of Uncertain Significance.

Ambry Genetics
Classification: Uncertain significance for Hereditary cancer-predisposing syndrome. Last evaluated: 2025-03-04. Review status: criteria provided, single submitter. Criteria: Ambry Variant Classification Scheme 2023. Collection method: clinical testing. Allele origin: germline.
Comment: The p.T725M variant (also known as c.2174C>T), located in coding exon 18 of the EGFR gene, results from a C to T substitution at nucleotide position 2174. The threonine at codon 725 is replaced by methionine, an amino acid with similar properties. This amino acid position is highly conserved in available vertebrate species. In addition, the in silico prediction for this alteration is inconclusive. Based on the available evidence, the clinical significance of this variant remains unclear.

Literature cited by the submitters: PubMed 24743239 (cited by Labcorp Genetics (formerly Invitae), Labcorp).